The following is an entry in ClinVar:

ClinVar aggregate classification (germline): Uncertain significance. Review status: criteria provided, multiple submitters, no conflicts (2 of 4 stars). 2 submissions from 2 submitters: Uncertain significance (2). Last evaluated 2025-11-11.

Conditions:
Hereditary cancer-predisposing syndrome. Also called: Neoplastic Syndromes, Hereditary; Tumor predisposition; Hereditary Cancer Syndrome; Hereditary neoplastic syndrome. Identifiers: Orphanet 140162, MedGen C0027672, MeSH D009386, MONDO:0015356.

Submissions (2):

Ambry Genetics
Classification: Uncertain significance for Hereditary cancer-predisposing syndrome. Last evaluated: 2025-11-11. Review status: criteria provided, single submitter. Criteria: Ambry Variant Classification Scheme 2023. Collection method: clinical testing. Allele origin: germline.
Comment: The p.R5T variant (also known as c.14G>C), located in coding exon 1 of the RAD51D gene, results from a G to C substitution at nucleotide position 14. The arginine at codon 5 is replaced by threonine, an amino acid with similar properties. This amino acid position is conserved. In addition, the in silico prediction for this alteration is inconclusive. Based on the available evidence, the clinical significance of this variant remains unclear.

Color Diagnostics, LLC DBA Color Health
Classification: Uncertain significance for Hereditary cancer-predisposing syndrome. Last evaluated: 2024-07-26. Review status: criteria provided, single submitter. Criteria: ACMG Guidelines, 2015. Collection method: clinical testing. Allele origin: germline.
Comment: This missense variant replaces arginine with threonine at codon 5 of the RAD51D protein. Computational prediction suggests that this variant may not impact protein structure and function (internally defined REVEL score threshold <= 0.5, PMID: 27666373). To our knowledge, functional studies have not been reported for this variant. This variant has not been reported in individuals affected with RAD51D-related disorders in the literature. This variant has not been identified in the general population by the Genome Aggregation Database (gnomAD). The available evidence is insufficient to determine the role of this variant in disease conclusively. Therefore, this variant is classified as a Variant of Uncertain Significance.

NM_002878.4(RAD51D):c.14G>C (p.Arg5Thr)

Genes: RAD51D (RAD51 paralog D; minus strand), RAD51L3-RFFL (RAD51L3-RFFL readthrough; minus strand). Cytogenetic location: 17q12.
Variant type: single nucleotide variant.
Coding change: c.14G>C on transcript NM_002878.4 (MANE Select); coding-DNA position 14, G replaced by C.
Protein change: p.Arg5Thr; replaces arginine 5 with threonine.
Molecular consequence: missense variant. On other transcripts: non-coding transcript variant (2).
Genome position (GRCh38, 1-based): chr17:35,119,600, C>G on the plus strand (G>C on the coding strand, the complement: RAD51D is on the minus strand). VCF-style: chr17-35119600-C-G. GRCh37 (hg19) VCF-style: chr17-33446619-C-G.
Other names: c.14G>C, p.Arg5Thr (NM_001142571.2, NM_133629.3); short protein forms R5T.
Identifiers: ClinVar variation 3894518 (VCV003894518.2).